The following is an entry in ClinVar:

ClinVar aggregate classification (germline): Uncertain significance. Review status: criteria provided, multiple submitters, no conflicts (2 of 4 stars). 3 submissions from 3 submitters: Uncertain significance (3). Last evaluated 2025-10-07.

Conditions:
Inborn genetic diseases. Identifiers: MedGen C0950123, MeSH D030342.

Allele frequency attached by ClinVar (database versions not stated): gnomAD exomes 0.00009 and 0.00012; ESP Exome Variant Server 0.00008; ExAC 0.00009.
gnomAD v4.1: 185 of 1,613,796 alleles (0.011%); highest among the groups gnomAD compares: Middle Eastern, 0.016%; no homozygotes.

Submissions (3):

Ambry Genetics
Classification: Uncertain significance for Inborn genetic diseases. Last evaluated: 2025-10-07. Review status: criteria provided, single submitter. Criteria: Ambry Variant Classification Scheme 2023. Collection method: clinical testing. Allele origin: germline.

Women's Health and Genetics/Laboratory Corporation of America, LabCorp
Classification: Uncertain significance. Last evaluated: 2025-02-10. Review status: criteria provided, single submitter. Criteria: LabCorp Variant Classification Summary - May 2015. Collection method: clinical testing. Allele origin: germline.
Comment: Variant summary: DTNBP1 c.709A>G (p.Met237Val) results in a conservative amino acid change in the encoded protein sequence. Four of five in-silico tools predict a benign effect of the variant on protein function. The variant allele was found at a frequency of 9.2e-05 in 250152 control chromosomes. This frequency is not significantly higher than estimated for a pathogenic variant in DTNBP1 causing Hermansky-Pudlak Syndrome (9.2e-05 vs 0.00016), allowing no conclusion about variant significance. To our knowledge, no occurrence of c.709A>G in individuals affected with Hermansky-Pudlak Syndrome and no experimental evidence demonstrating its impact on protein function have been reported. ClinVar contains an entry for this variant (Variation ID: 1522320). Based on the evidence outlined above, the variant was classified as uncertain significance.

Labcorp Genetics (formerly Invitae), Labcorp
Classification: Uncertain significance. Last evaluated: 2023-12-17. Review status: criteria provided, single submitter. Criteria: Invitae Variant Classification Sherloc (09022015). Collection method: clinical testing. Allele origin: germline.
Comment: This sequence change replaces methionine, which is neutral and non-polar, with valine, which is neutral and non-polar, at codon 237 of the DTNBP1 protein (p.Met237Val). This variant is present in population databases (rs372800513, gnomAD 0.2%). This variant has not been reported in the literature in individuals affected with DTNBP1-related conditions. ClinVar contains an entry for this variant (Variation ID: 1522320). Advanced modeling of protein sequence and biophysical properties (such as structural, functional, and spatial information, amino acid conservation, physicochemical variation, residue mobility, and thermodynamic stability) performed at Invitae indicates that this missense variant is not expected to disrupt DTNBP1 protein function with a negative predictive value of 80%. In summary, the available evidence is currently insufficient to determine the role of this variant in disease. Therefore, it has been classified as a Variant of Uncertain Significance.

NM_032122.5(DTNBP1):c.709A>G (p.Met237Val)

Gene: DTNBP1 (dystrobrevin binding protein 1; minus strand). Cytogenetic location: 6p22.3.
Variant type: single nucleotide variant.
Coding change: c.709A>G on transcript NM_032122.5 (MANE Select); coding-DNA position 709, A replaced by G.
Protein change: p.Met237Val; replaces methionine 237 with valine.
Molecular consequence: missense variant. On other transcripts: non-coding transcript variant (1).
Genome position (GRCh38, 1-based): chr6:15,524,628, T>C on the plus strand (A>G on the coding strand, the complement: DTNBP1 is on the minus strand). VCF-style: chr6-15524628-T-C. GRCh37 (hg19) VCF-style: chr6-15524859-T-C.
Other names: c.466A>G, p.Met156Val (NM_001271667.2); c.658A>G, p.Met220Val (NM_001271668.2); c.604A>G, p.Met202Val (NM_001271669.2); c.709A>G, p.Met237Val (NM_183040.2); c.709A>G (NM_032122.4); short protein forms M156V, M220V, M202V, M237V.
Identifiers: ClinVar variation 1522320 (VCV001522320.6), dbSNP rs372800513, ClinGen allele CA3643912.